The following is an entry in ClinVar:

ClinVar aggregate classification (germline): Uncertain significance (1 of 4 stars; one submission).

Allele frequency attached by ClinVar (database versions not stated): ExAC 0.00001; gnomAD 0.00001; gnomAD exomes 0.00002 and 0.00004.
gnomAD v4.1: 60 of 1,614,010 alleles (0.0037%); highest among the groups gnomAD compares: Non-Finnish European, 0.005%; no homozygotes.

Submission:

Labcorp Genetics (formerly Invitae), Labcorp
Classification: Uncertain significance. Last evaluated: 2022-08-19. Review status: criteria provided, single submitter. Criteria: Invitae Variant Classification Sherloc (09022015). Collection method: clinical testing. Allele origin: germline.
Comment: In summary, the available evidence is currently insufficient to determine the role of this variant in disease. Therefore, it has been classified as a Variant of Uncertain Significance. This variant is present in population databases (rs780556050, gnomAD 0.004%). This sequence change replaces glutamic acid, which is acidic and polar, with lysine, which is basic and polar, at codon 1070 of the LTBP2 protein (p.Glu1070Lys). Algorithms developed to predict the effect of missense changes on protein structure and function are either unavailable or do not agree on the potential impact of this missense change (SIFT: "Deleterious"; PolyPhen-2: "Benign"; Align-GVGD: "Class C15"). ClinVar contains an entry for this variant (Variation ID: 1348338). This variant has not been reported in the literature in individuals affected with LTBP2-related conditions.

NM_000428.3(LTBP2):c.3208G>A (p.Glu1070Lys)

Gene: LTBP2 (latent transforming growth factor beta binding protein 2; minus strand). Cytogenetic location: 14q24.3.
Variant type: single nucleotide variant.
Coding change: c.3208G>A on transcript NM_000428.3 (MANE Select); coding-DNA position 3208, G replaced by A.
Protein change: p.Glu1070Lys; replaces glutamic acid 1070 with lysine.
Molecular consequence: missense variant.
Genome position (GRCh38, 1-based): chr14:74,509,803, C>T on the plus strand (G>A on the coding strand, the complement: LTBP2 is on the minus strand). VCF-style: chr14-74509803-C-T. GRCh37 (hg19) VCF-style: chr14-74976506-C-T.
Other names: short protein forms E1070K.
Identifiers: ClinVar variation 1348338 (VCV001348338.7), dbSNP rs780556050, ClinGen allele CA7269253.